The following is an entry in ClinVar:

NM_006031.6(PCNT):c.7991C>T (p.Ala2664Val)

Gene: PCNT (pericentrin; plus strand). Cytogenetic location: 21q22.3.
Variant type: single nucleotide variant.
Coding change: c.7991C>T on transcript NM_006031.6 (MANE Select); coding-DNA position 7991, C replaced by T.
Protein change: p.Ala2664Val; replaces alanine 2664 with valine.
Molecular consequence: missense variant.
Genome position (GRCh38, 1-based): chr21:46,430,584, C>T. VCF-style: chr21-46430584-C-T. GRCh37 (hg19) VCF-style: chr21-47850498-C-T.
Other names: c.7637C>T, p.Ala2546Val (NM_001315529.2); short protein forms A2664V, A2546V.
Identifiers: ClinVar variation 4979853 (VCV004979853.1).

ClinVar aggregate classification (germline): Uncertain significance (1 of 4 stars; one submission).

Conditions:
PCNT-related disorder. Also called: PCNT-related condition.

gnomAD v4.1: 2 of 1,563,518 alleles (0.00013%); highest among the groups gnomAD compares: Non-Finnish European, 0.00017%; no homozygotes.

Submission:

PreventionGenetics, part of Exact Sciences
Classification: Uncertain significance for PCNT-related condition. Last evaluated: 2026-05-05. Review status: criteria provided, single submitter. Criteria: ACMG Guidelines, 2015. Collection method: clinical testing. Allele origin: germline.
Comment: The PCNT c.7991C>T variant is predicted to result in the amino acid substitution p.Ala2664Val. To our knowledge, this variant has not been reported in the literature or in a large population database (gnomAD), indicating this variant is rare. At this time, the clinical significance of this variant is uncertain due to the absence of conclusive functional and genetic evidence.